The following is an entry in ClinVar:

NM_005235.3(ERBB4):c.1685T>C (p.Met562Thr)

Gene: ERBB4 (erb-b2 receptor tyrosine kinase 4; minus strand). Cytogenetic location: 2q34.
Variant type: single nucleotide variant.
Coding change: c.1685T>C on transcript NM_005235.3 (MANE Select); coding-DNA position 1685, T replaced by C.
Protein change: p.Met562Thr; replaces methionine 562 with threonine.
Molecular consequence: missense variant.
Genome position (GRCh38, 1-based): chr2:211,673,195, A>G on the plus strand (T>C on the coding strand, the complement: ERBB4 is on the minus strand). VCF-style: chr2-211673195-A-G. GRCh37 (hg19) VCF-style: chr2-212537920-A-G.
Other names: c.1685T>C, p.Met562Thr (NM_001042599.2); short protein forms M562T.
Identifiers: ClinVar variation 2964076 (VCV002964076.3), dbSNP rs888306863, ClinGen allele CA65172146.
Genomic context (GRCh38, chr2:211,673,195, plus strand): 5'-CAACACACCACAGATGTCTTCAGGCTTACCGGTCCATGGCATGTGAGGAGGCCATCTTCC[A>G]TCTTCTCACACTGGGGGTCACACTCCACACAGATGGAGCCATTCTCAAACTCCCGAAATT-3'
Protein context (NP_005226.1, residues 552-572): CVECDPQCEK[Met562Thr]EDGLLTCHGP

ClinVar aggregate classification (germline): Uncertain significance (1 of 4 stars; one submission).

Allele frequency attached by ClinVar (database versions not stated): gnomAD exomes below 0.00001; gnomAD 0.00001; TOPMed 0.00001.
gnomAD v4.1: 5 of 1,613,704 alleles (0.00031%); highest among the groups gnomAD compares: Non-Finnish European, 0.00025%; no homozygotes.

Submission:

Labcorp Genetics (formerly Invitae), Labcorp
Classification: Uncertain significance. Last evaluated: 2024-02-01. Review status: criteria provided, single submitter. Criteria: Invitae Variant Classification Sherloc (09022015). Collection method: clinical testing. Allele origin: germline.
Comment: This sequence change replaces methionine, which is neutral and non-polar, with threonine, which is neutral and polar, at codon 562 of the ERBB4 protein (p.Met562Thr). This variant is present in population databases (no rsID available, gnomAD no frequency). This variant has not been reported in the literature in individuals affected with ERBB4-related conditions. Advanced modeling of protein sequence and biophysical properties (such as structural, functional, and spatial information, amino acid conservation, physicochemical variation, residue mobility, and thermodynamic stability) performed at Invitae indicates that this missense variant is not expected to disrupt ERBB4 protein function with a negative predictive value of 80%. In summary, the available evidence is currently insufficient to determine the role of this variant in disease. Therefore, it has been classified as a Variant of Uncertain Significance.